The following is an entry in ClinVar:

ClinVar aggregate classification (germline): Conflicting classifications of pathogenicity. Review status: criteria provided, conflicting classifications (1 of 4 stars). 2 submissions from 2 submitters: Uncertain significance (1); Likely benign (1). Last evaluated 2026-07-30.

Conditions:
Hereditary cancer-predisposing syndrome. Also called: Tumor predisposition; Hereditary Cancer Syndrome; Hereditary neoplastic syndrome; Neoplastic Syndromes, Hereditary. Identifiers: Orphanet 140162, MedGen C0027672, MeSH D009386, MONDO:0015356.
Tuberous sclerosis 1 (TSC1). Identifiers: Orphanet 805, MedGen C1854465, MONDO:0008612, OMIM 191100.

Allele frequency attached by ClinVar (database versions not stated): gnomAD exomes below 0.00001.
gnomAD v4.1: 1 of 1,614,252 alleles (0.000062%); highest among the groups gnomAD compares: Non-Finnish European, 0.000085%; no homozygotes.

Submissions (2):

Ambry Genetics
Classification: Likely benign for Hereditary cancer-predisposing syndrome. Last evaluated: 2026-07-30. Review status: criteria provided, single submitter. Criteria: Ambry Variant Classification Scheme 2023. Collection method: clinical testing. Allele origin: germline.

Labcorp Genetics (formerly Invitae), Labcorp
Classification: Uncertain significance for Tuberous sclerosis 1. Last evaluated: 2024-01-17. Review status: criteria provided, single submitter. Criteria: Invitae Variant Classification Sherloc (09022015). Collection method: clinical testing. Allele origin: germline.
Comment: This sequence change replaces threonine, which is neutral and polar, with proline, which is neutral and non-polar, at codon 1076 of the TSC1 protein (p.Thr1076Pro). This variant is not present in population databases (gnomAD no frequency). This variant has not been reported in the literature in individuals affected with TSC1-related conditions. ClinVar contains an entry for this variant (Variation ID: 1024859). Advanced modeling of protein sequence and biophysical properties (such as structural, functional, and spatial information, amino acid conservation, physicochemical variation, residue mobility, and thermodynamic stability) performed at Invitae indicates that this missense variant is not expected to disrupt TSC1 protein function with a negative predictive value of 95%. In summary, the available evidence is currently insufficient to determine the role of this variant in disease. Therefore, it has been classified as a Variant of Uncertain Significance.

NM_000368.5(TSC1):c.3226A>C (p.Thr1076Pro)

Gene: TSC1 (TSC complex subunit 1; minus strand). Cytogenetic location: 9q34.13.
Variant type: single nucleotide variant.
Coding change: c.3226A>C on transcript NM_000368.5 (MANE Select); coding-DNA position 3226, A replaced by C.
Protein change: p.Thr1076Pro; replaces threonine 1076 with proline.
Molecular consequence: missense variant.
Genome position (GRCh38, 1-based): chr9:132,896,504, T>G on the plus strand (A>C on the coding strand, the complement: TSC1 is on the minus strand). VCF-style: chr9-132896504-T-G. GRCh37 (hg19) VCF-style: chr9-135771891-T-G.
Other names: c.3223A>C, p.Thr1075Pro (NM_001162426.2); c.3073A>C, p.Thr1025Pro (NM_001162427.2); c.2863A>C, p.Thr955Pro (NM_001362177.2); c.3226A>C (NM_000368.4); short protein forms T1025P, T1075P, T1076P, T955P.
Identifiers: ClinVar variation 1024859 (VCV001024859.10), dbSNP rs1845058224, ClinGen allele CA375366945.